The following is an entry in ClinVar:

NM_001378452.1(ITPR1):c.3448G>A (p.Asp1150Asn)

Gene: ITPR1 (inositol 1,4,5-trisphosphate receptor type 1; plus strand). Cytogenetic location: 3p26.1.
Variant type: single nucleotide variant.
Coding change: c.3448G>A on transcript NM_001378452.1 (MANE Select); coding-DNA position 3448, G replaced by A.
Protein change: p.Asp1150Asn; replaces aspartic acid 1150 with asparagine.
Molecular consequence: missense variant.
Genome position (GRCh38, 1-based): chr3:4,683,748, G>A. VCF-style: chr3-4683748-G-A. GRCh37 (hg19) VCF-style: chr3-4725432-G-A.
Other names: c.3421G>A, p.Asp1141Asn (NM_001099952.4); c.3403G>A, p.Asp1135Asn (NM_001168272.2); c.3376G>A, p.Asp1126Asn (NM_002222.7); short protein forms D1135N, D1150N, D1126N, D1141N.
Identifiers: ClinVar variation 2191437 (VCV002191437.3), dbSNP rs770583546, ClinGen allele CA2231666.

ClinVar aggregate classification (germline): Uncertain significance (1 of 4 stars; one submission).

Allele frequency attached by ClinVar (database versions not stated): TOPMed 0.00003; ExAC 0.00004; gnomAD 0.00004.
gnomAD v4.1: 44 of 1,613,884 alleles (0.0027%); highest among the groups gnomAD compares: South Asian, 0.019%; no homozygotes.

Submission:

Labcorp Genetics (formerly Invitae), Labcorp
Classification: Uncertain significance. Last evaluated: 2025-03-12. Review status: criteria provided, single submitter. Criteria: Invitae Variant Classification Sherloc (09022015). Collection method: clinical testing. Allele origin: germline.
Comment: This sequence change replaces aspartic acid, which is acidic and polar, with asparagine, which is neutral and polar, at codon 1126 of the ITPR1 protein (p.Asp1126Asn). This variant is present in population databases (rs770583546, gnomAD 0.01%). This variant has not been reported in the literature in individuals affected with ITPR1-related conditions. ClinVar contains an entry for this variant (Variation ID: 2191437). Invitae Evidence Modeling of protein sequence and biophysical properties (such as structural, functional, and spatial information, amino acid conservation, physicochemical variation, residue mobility, and thermodynamic stability) indicates that this missense variant is not expected to disrupt ITPR1 protein function with a negative predictive value of 95%. In summary, the available evidence is currently insufficient to determine the role of this variant in disease. Therefore, it has been classified as a Variant of Uncertain Significance.